The following is an entry in ClinVar:

NM_000426.4(LAMA2):c.2557G>T (p.Gly853Ter)

Gene: LAMA2 (laminin subunit alpha 2; plus strand). Cytogenetic location: 6q22.33.
Variant type: single nucleotide variant.
Coding change: c.2557G>T on transcript NM_000426.4 (MANE Select); coding-DNA position 2557, G replaced by T.
Protein change: p.Gly853Ter; replaces glycine 853 with a stop codon.
Molecular consequence: nonsense.
Genome position (GRCh38, 1-based): chr6:129,287,866, G>T. VCF-style: chr6-129287866-G-T. GRCh37 (hg19) VCF-style: chr6-129609011-G-T.
Other names: c.2557G>T, p.Gly853Ter (NM_001079823.2); short protein forms G853*.
Identifiers: ClinVar variation 984193 (VCV000984193.4), dbSNP rs1789386860, ClinGen allele CA365609737.

ClinVar aggregate classification (germline): Likely pathogenic (1 of 4 stars; one submission).

Conditions:
LAMA2-related muscular dystrophy (LAMA2-RD). Also called: Laminin alpha 2-related dystrophy. Identifiers: MedGen C5679788, MONDO:0100228.

Submission:

Myriad Genetics, Inc.
Classification: Likely pathogenic for LAMA2-related muscular dystrophy. Last evaluated: 2019-06-06. Review status: criteria provided, single submitter. Criteria: Myriad Autosomal Dominant, Autosomal Recessive and X-Linked Classification Criteria (2023). Collection method: clinical testing. Allele origin: unknown.
Comment: NM_000426.3(LAMA2):c.2557G>T(G853*) is expected to be pathogenic in the context of LAMA2-related muscular dystrophy. This variant is predicted to lead to an abnormal or absent protein product due to the creation of a premature termination codon in LAMA2, a gene where loss-of-function variants are known to be pathogenic. Please note: this variant was assessed in the context of healthy population screening.